The following is an entry in ClinVar:

NM_001001888.4(VCX3B):c.505G>C (p.Glu169Gln)

Gene: VCX3B (variable charge X-linked 3B; plus strand). Cytogenetic location: Xp22.31.
Variant type: single nucleotide variant.
Coding change: c.505G>C on transcript NM_001001888.4 (MANE Select); coding-DNA position 505, G replaced by C.
Protein change: p.Glu169Gln; replaces glutamic acid 169 with glutamine.
Molecular consequence: missense variant.
Genome position (GRCh38, 1-based): chrX:8,466,147, G>C. VCF-style: chrX-8466147-G-C. GRCh37 (hg19) VCF-style: chrX-8434188-G-C.
Other names: short protein forms E169Q.
Identifiers: ClinVar variation 2659937 (VCV002659937.24), dbSNP rs200991738, ClinGen allele CA10343321.

ClinVar aggregate classification (germline): Likely benign (1 of 4 stars; one submission).

Allele frequency attached by ClinVar (database versions not stated): ExAC 0.00089; gnomAD exomes 0.00139; gnomAD 0.00159; ESP Exome Variant Server 0.00170.
gnomAD v4.1: 530 of 844,978 alleles (0.063%); highest among the groups gnomAD compares: East Asian, 0.42%; 19 homozygotes.

Submission:

CeGaT Center for Human Genetics Tuebingen
Classification: Likely benign. Last evaluated: 2023-02-01. Review status: criteria provided, single submitter. Criteria: CeGaT Center For Human Genetics Tuebingen Variant Classification Criteria Version 2. Collection method: clinical testing. Allele origin: germline. Affected: yes. Observed: 1 variant allele.
Comment: VCX3B: BP4, BS2